The following is an entry in ClinVar:

ClinVar aggregate classification (germline): Uncertain significance (1 of 4 stars; one submission).

Conditions:
Hereditary cancer-predisposing syndrome. Also called: Neoplastic Syndromes, Hereditary; Hereditary neoplastic syndrome; Tumor predisposition; Hereditary Cancer Syndrome. Identifiers: Orphanet 140162, MedGen C0027672, MeSH D009386, MONDO:0015356.

Submission:

Ambry Genetics
Classification: Uncertain significance for Hereditary cancer-predisposing syndrome. Last evaluated: 2022-12-22. Review status: criteria provided, single submitter. Criteria: Ambry Variant Classification Scheme 2023. Collection method: clinical testing. Allele origin: germline.
Comment: The p.A3006P variant (also known as c.9016G>C), located in coding exon 62 of the ATM gene, results from a G to C substitution at nucleotide position 9016. The alanine at codon 3006 is replaced by proline, an amino acid with highly similar properties. This amino acid position is highly conserved in available vertebrate species. In addition, the in silico prediction for this alteration is inconclusive. Since supporting evidence is limited at this time, the clinical significance of this alteration remains unclear.

NM_000051.4(ATM):c.9016G>C (p.Ala3006Pro)

Genes: ATM (ATM serine/threonine kinase; plus strand), C11orf65 (chromosome 11 open reading frame 65; minus strand). Cytogenetic location: 11q22.3.
Variant type: single nucleotide variant.
Coding change: c.9016G>C on transcript NM_000051.4 (MANE Select); coding-DNA position 9016, G replaced by C.
Protein change: p.Ala3006Pro; replaces alanine 3006 with proline.
Molecular consequence: missense variant. On other transcripts: intron variant (2).
Genome position (GRCh38, 1-based): chr11:108,365,353, G>C. VCF-style: chr11-108365353-G-C. GRCh37 (hg19) VCF-style: chr11-108236080-G-C.
Other names: c.9016G>C, p.Ala3006Pro (NM_001351834.2); c.640+20567C>G (NM_001330368.2); c.694+20567C>G (NM_001351110.2); short protein forms A3006P.
Identifiers: ClinVar variation 230778 (VCV000230778.8), dbSNP rs876658767, ClinGen allele CA10579334.